The following is an entry in ClinVar:

ClinVar aggregate classification (germline): Conflicting classifications of pathogenicity. Review status: criteria provided, conflicting classifications (1 of 4 stars). 5 submissions from 5 submitters: Likely pathogenic (4); Uncertain significance (1). Last evaluated 2024-05-27.

Conditions:
Developmental and epileptic encephalopathy 94 (DEE94). Also called: CHD2-Related Neurodevelopmental Disorders; Epileptic encephalopathy, childhood-onset. Identifiers: Orphanet 1942, Orphanet 2382, MedGen C3809278, MONDO:0014150, OMIM 615369.
Neurodevelopmental disorder. Identifiers: MedGen C1535926, MeSH D065886, MONDO:0700092.
Inborn genetic diseases. Identifiers: MedGen C0950123, MeSH D030342.

Allele frequency attached by ClinVar (database versions not stated): TOPMed below 0.00001; gnomAD 0.00001.
gnomAD v4.1: 1 of 1,613,646 alleles (0.000062%); highest among the groups gnomAD compares: Non-Finnish European, 0.000085%; no homozygotes.

Submissions (5):

Labcorp Genetics (formerly Invitae), Labcorp
Classification: Likely pathogenic for Developmental and epileptic encephalopathy 94. Last evaluated: 2024-05-27. Review status: criteria provided, single submitter. Criteria: Invitae Variant Classification Sherloc (09022015). Collection method: clinical testing. Allele origin: germline.
Comment: This sequence change replaces arginine, which is basic and polar, with glutamine, which is neutral and polar, at codon 846 of the CHD2 protein (p.Arg846Gln). This variant is not present in population databases (gnomAD no frequency). This missense change has been observed in individual(s) with CHD2-related conditions (PMID: 31677157). In at least one individual the variant was observed to be de novo. ClinVar contains an entry for this variant (Variation ID: 1701885). Advanced modeling of protein sequence and biophysical properties (such as structural, functional, and spatial information, amino acid conservation, physicochemical variation, residue mobility, and thermodynamic stability) has been performed at Invitae for this missense variant, however the output from this modeling did not meet the statistical confidence thresholds required to predict the impact of this variant on CHD2 protein function. This variant disrupts the p.Arg846 amino acid residue in CHD2. Other variant(s) that disrupt this residue have been determined to be pathogenic (Invitae). This suggests that this residue is clinically significant, and that variants that disrupt this residue are likely to be disease-causing. In summary, the currently available evidence indicates that the variant is pathogenic, but additional data are needed to prove that conclusively. Therefore, this variant has been classified as Likely Pathogenic.

GeneDx
Classification: Likely pathogenic. Last evaluated: 2023-09-28. Review status: criteria provided, single submitter. Criteria: GeneDx Variant Classification Process June 2021. Collection method: clinical testing. Allele origin: germline. Affected: yes.
Comment: Not observed at significant frequency in large population cohorts (gnomAD); In silico analysis supports that this missense variant has a deleterious effect on protein structure/function; This variant is associated with the following publications: (PMID: 31677157)

Laboratory of Molecular Genetics (Pr. Bezieau's lab), CHU de Nantes
Classification: Likely pathogenic for Neurodevelopmental disorder. Last evaluated: 2022-05-16. Review status: criteria provided, single submitter. Criteria: ACMG Guidelines, 2015. Collection method: clinical testing. Allele origin: germline. Affected: yes.

Ambry Genetics
Classification: Uncertain significance for Inborn genetic diseases. Last evaluated: 2018-06-13. Review status: criteria provided, single submitter. Criteria: Ambry Variant Classification Scheme 2023. Collection method: clinical testing. Allele origin: germline.
Comment: The p.R846Q variant (also known as c.2537G>A), located in coding exon 19 of the CHD2 gene, results from a G to A substitution at nucleotide position 2537. The arginine at codon 846 is replaced by glutamine, an amino acid with highly similar properties. This amino acid position is highly conserved in available vertebrate species. In addition, this alteration is predicted to be deleterious by in silico analysis. Since supporting evidence is limited at this time, the clinical significance of this alteration remains unclear.

Molecular Genetics Lab, CHRU Brest
Classification: Likely pathogenic for Developmental and epileptic encephalopathy 94. Review status: criteria provided, single submitter. Criteria: ACMG Guidelines, 2015. Collection method: clinical testing. Allele origin: de novo. Affected: yes.

Literature cited by the submitters: PubMed 31677157 (cited by Labcorp Genetics (formerly Invitae), Labcorp).

NM_001271.4(CHD2):c.2537G>A (p.Arg846Gln)

Gene: CHD2 (chromodomain helicase DNA binding protein 2; plus strand). Cytogenetic location: 15q26.1.
Variant type: single nucleotide variant.
Coding change: c.2537G>A on transcript NM_001271.4 (MANE Select); coding-DNA position 2537, G replaced by A.
Protein change: p.Arg846Gln; replaces arginine 846 with glutamine.
Molecular consequence: missense variant.
Genome position (GRCh38, 1-based): chr15:92,974,910, G>A. VCF-style: chr15-92974910-G-A. GRCh37 (hg19) VCF-style: chr15-93518140-G-A.
Other names: c.2537G>A (NM_001271.3); short protein forms R846Q.
Identifiers: ClinVar variation 1701885 (VCV001701885.7), dbSNP rs1429234959, ClinGen allele CA393893541.